The following is an entry in ClinVar:

ClinVar aggregate classification (germline): Pathogenic/Likely pathogenic. Review status: criteria provided, multiple submitters, no conflicts (2 of 4 stars). 2 submissions from 2 submitters: Pathogenic (1); Likely pathogenic (1). Last evaluated 2023-12-19.

Conditions:
Arginine:glycine amidinotransferase deficiency (CCDS3). Also called: Creatine deficiency syndrome due to AGAT deficiency; GATM deficiency; Cerebral creatine deficiency syndrome 3; AGAT deficiency; L-Arginine:Glycine Amidinotransferase (AGAT) Deficiency; L-Arginine:Glycine Amidinotransferase Deficiency. Identifiers: Orphanet 35704, MedGen C2675179, MONDO:0012996, OMIM 612718.

Allele frequency attached by ClinVar (database versions not stated): gnomAD exomes below 0.00001; TOPMed below 0.00001.
gnomAD v4.1: 5 of 1,613,948 alleles (0.00031%); highest among the groups gnomAD compares: East Asian, 0.0022%; no homozygotes.

Submissions (2):

GeneDx
Classification: Likely pathogenic. Last evaluated: 2023-12-19. Review status: criteria provided, single submitter. Criteria: GeneDx Variant Classification Process June 2021. Collection method: clinical testing. Allele origin: germline. Affected: yes.
Comment: Nonsense variant predicted to result in protein truncation or nonsense mediated decay in a gene for which loss of function is a known mechanism of disease; Not observed at significant frequency in large population cohorts (gnomAD); Has not been previously published as pathogenic or benign to our knowledge

Labcorp Genetics (formerly Invitae), Labcorp
Classification: Pathogenic for Arginine:glycine amidinotransferase deficiency. Last evaluated: 2022-06-11. Review status: criteria provided, single submitter. Criteria: Invitae Variant Classification Sherloc (09022015). Collection method: clinical testing. Allele origin: germline.
Comment: For these reasons, this variant has been classified as Pathogenic. This variant has not been reported in the literature in individuals affected with GATM-related conditions. This variant is present in population databases (no rsID available, gnomAD 0.007%). This sequence change creates a premature translational stop signal (p.Arg194*) in the GATM gene. It is expected to result in an absent or disrupted protein product. Loss-of-function variants in GATM are known to be pathogenic (PMID: 11555793).

Literature cited by the submitters: PubMed 11555793 (cited by Labcorp Genetics (formerly Invitae), Labcorp).

NM_001482.3(GATM):c.580C>T (p.Arg194Ter)

Gene: GATM (glycine amidinotransferase; minus strand). Cytogenetic location: 15q21.1.
Variant type: single nucleotide variant.
Coding change: c.580C>T on transcript NM_001482.3 (MANE Select); coding-DNA position 580, C replaced by T.
Protein change: p.Arg194Ter; replaces arginine 194 with a stop codon.
Molecular consequence: nonsense.
Genome position (GRCh38, 1-based): chr15:45,368,165, G>A on the plus strand (C>T on the coding strand, the complement: GATM is on the minus strand). VCF-style: chr15-45368165-G-A. GRCh37 (hg19) VCF-style: chr15-45660363-G-A.
Other names: c.193C>T, p.Arg65Ter (NM_001321015.2); c.580C>T (NM_001482.2); short protein forms R194*, R65*.
Identifiers: ClinVar variation 2004921 (VCV002004921.5), dbSNP rs1217229880, ClinGen allele CA392260983.